The following is an entry in ClinVar:

NM_025099.6(CTC1):c.421G>A (p.Val141Ile)

Gene: CTC1 (CST telomere replication complex component 1; minus strand). Cytogenetic location: 17p13.1.
Variant type: single nucleotide variant.
Coding change: c.421G>A on transcript NM_025099.6 (MANE Select); coding-DNA position 421, G replaced by A.
Protein change: p.Val141Ile; replaces valine 141 with isoleucine.
Molecular consequence: missense variant. On other transcripts: non-coding transcript variant (1).
Genome position (GRCh38, 1-based): chr17:8,238,406, C>T on the plus strand (G>A on the coding strand, the complement: CTC1 is on the minus strand). VCF-style: chr17-8238406-C-T. GRCh37 (hg19) VCF-style: chr17-8141724-C-T.
Other names: short protein forms V141I.
Identifiers: ClinVar variation 971519 (VCV000971519.10), dbSNP rs532695142, ClinGen allele CA8372637.

ClinVar aggregate classification (germline): Uncertain significance. Review status: criteria provided, multiple submitters, no conflicts (2 of 4 stars). 3 submissions from 3 submitters: Uncertain significance (3). Last evaluated 2025-03-03.

Conditions:
Dyskeratosis congenita. Identifiers: Orphanet 1775, MedGen C0265965, MONDO:0015780.
Cerebroretinal microangiopathy with calcifications and cysts 1 (CRMCC1). Identifiers: Orphanet 313838, MedGen C4552029, MONDO:0024564, OMIM 612199.

Allele frequency attached by ClinVar (database versions not stated): ExAC 0.00001; gnomAD 0.00001 and 0.00002; gnomAD exomes 0.00002; TOPMed 0.00002; 1000 Genomes Project 30x 0.00016; 1000 Genomes Project 0.00020.
gnomAD v4.1: 11 of 1,613,834 alleles (0.00068%); highest among the groups gnomAD compares: African/African-American, 0.008%; no homozygotes.

Submissions (3):

GeneDx
Classification: Uncertain significance. Last evaluated: 2025-03-03. Review status: criteria provided, single submitter. Criteria: GeneDx Variant Classification Process June 2021. Collection method: clinical testing. Allele origin: germline. Affected: yes.
Comment: In silico analysis indicates that this missense variant does not alter protein structure/function; Has not been previously published as pathogenic or benign to our knowledge

Labcorp Genetics (formerly Invitae), Labcorp
Classification: Uncertain significance for Dyskeratosis congenita. Last evaluated: 2024-12-02. Review status: criteria provided, single submitter. Criteria: Invitae Variant Classification Sherloc (09022015). Collection method: clinical testing. Allele origin: germline.
Comment: This sequence change replaces valine, which is neutral and non-polar, with isoleucine, which is neutral and non-polar, at codon 141 of the CTC1 protein (p.Val141Ile). This variant is present in population databases (rs532695142, gnomAD 0.01%). This variant has not been reported in the literature in individuals affected with CTC1-related conditions. ClinVar contains an entry for this variant (Variation ID: 971519). Invitae Evidence Modeling of protein sequence and biophysical properties (such as structural, functional, and spatial information, amino acid conservation, physicochemical variation, residue mobility, and thermodynamic stability) indicates that this missense variant is not expected to disrupt CTC1 protein function with a negative predictive value of 80%. In summary, the available evidence is currently insufficient to determine the role of this variant in disease. Therefore, it has been classified as a Variant of Uncertain Significance.

Fulgent Genetics
Classification: Uncertain significance for Cerebroretinal microangiopathy with calcifications and cysts 1. Last evaluated: 2021-08-04. Review status: criteria provided, single submitter. Criteria: ACMG Guidelines, 2015. Collection method: clinical testing. Allele origin: unknown.